The following is an entry in ClinVar:

ClinVar aggregate classification (germline): Uncertain significance (1 of 4 stars; one submission).

Conditions:
Polyglandular autoimmune syndrome, type 1 (APS1). Also called: AUTOIMMUNE POLYENDOCRINE SYNDROME, TYPE I, WITH OR WITHOUT REVERSIBLE METAPHYSEAL DYSPLASIA; APS I; Autoimmune polyendocrinopathy syndrome, type I; Autoimmune polyendocrinopathy syndrome , type I, with or without reversible metaphyseal dysplasia; PGA I; HYPOADRENOCORTICISM WITH HYPOPARATHYROIDISM AND SUPERFICIAL MONILIASIS. Identifiers: Orphanet 3453, MedGen C0085859, MONDO:0009411, OMIM 240300.

Submission:

Labcorp Genetics (formerly Invitae), Labcorp
Classification: Uncertain significance for Polyglandular autoimmune syndrome, type 1. Last evaluated: 2022-01-22. Review status: criteria provided, single submitter. Criteria: Invitae Variant Classification Sherloc (09022015). Collection method: clinical testing. Allele origin: germline.
Comment: This sequence change replaces alanine, which is neutral and non-polar, with valine, which is neutral and non-polar, at codon 300 of the AIRE protein (p.Ala300Val). This variant is not present in population databases (gnomAD no frequency). This variant has not been reported in the literature in individuals affected with AIRE-related conditions. Advanced modeling of protein sequence and biophysical properties (such as structural, functional, and spatial information, amino acid conservation, physicochemical variation, residue mobility, and thermodynamic stability) performed at Invitae indicates that this missense variant is expected to disrupt AIRE protein function. In summary, the available evidence is currently insufficient to determine the role of this variant in disease. Therefore, it has been classified as a Variant of Uncertain Significance.

NM_000383.4(AIRE):c.899C>T (p.Ala300Val)

Gene: AIRE (autoimmune regulator; plus strand). Cytogenetic location: 21q22.3.
Variant type: single nucleotide variant.
Coding change: c.899C>T on transcript NM_000383.4 (MANE Select); coding-DNA position 899, C replaced by T.
Protein change: p.Ala300Val; replaces alanine 300 with valine.
Molecular consequence: missense variant.
Genome position (GRCh38, 1-based): chr21:44,291,114, C>T. VCF-style: chr21-44291114-C-T. GRCh37 (hg19) VCF-style: chr21-45710997-C-T.
Other names: short protein forms A300V.
Identifiers: ClinVar variation 1427964 (VCV001427964.6), dbSNP rs868756561, ClinGen allele CA321793926.